The following is an entry in ClinVar:

NM_020975.6(RET):c.1679C>T (p.Pro560Leu)

Gene: RET (ret proto-oncogene; plus strand). Cytogenetic location: 10q11.21.
Variant type: single nucleotide variant.
Coding change: c.1679C>T on transcript NM_020975.6 (MANE Select); coding-DNA position 1679, C replaced by T.
Protein change: p.Pro560Leu; replaces proline 560 with leucine.
Molecular consequence: missense variant.
Genome position (GRCh38, 1-based): chr10:43,112,883, C>T. VCF-style: chr10-43112883-C-T. GRCh37 (hg19) VCF-style: chr10-43608331-C-T.
Other names: c.1550C>T, p.Pro517Leu (NM_001406762.1, NM_001406761.1, NM_001406764.1 and 1 more transcripts); c.917C>T, p.Pro306Leu (NM_001355216.2); c.1679C>T, p.Pro560Leu (NM_001406743.1, NM_001406744.1, NM_001406759.1 and 4 more transcripts); c.1391C>T, p.Pro464Leu (NM_001406766.1, NM_001406767.1, NM_001406770.1); c.1283C>T, p.Pro428Leu (NM_001406769.1, NM_001406772.1); c.1241C>T, p.Pro414Leu (NM_001406771.1, NM_001406773.1); c.1154C>T, p.Pro385Leu (NM_001406774.1); c.953C>T, p.Pro318Leu (NM_001406775.1, NM_001406776.1, NM_001406777.1 and 1 more transcripts); and 5 more; short protein forms P414L, P428L, P560L, P230L, P306L, P318L, P517L, P165L.
Identifiers: ClinVar variation 3788307 (VCV003788307.1).

ClinVar aggregate classification (germline): Uncertain significance (1 of 4 stars; one submission).

Conditions:
Hereditary cancer-predisposing syndrome. Also called: Neoplastic Syndromes, Hereditary; Hereditary Cancer Syndrome; Tumor predisposition; Hereditary neoplastic syndrome. Identifiers: Orphanet 140162, MedGen C0027672, MeSH D009386, MONDO:0015356.

Submission:

Ambry Genetics
Classification: Uncertain significance for Hereditary cancer-predisposing syndrome. Last evaluated: 2024-12-17. Review status: criteria provided, single submitter. Criteria: Ambry Variant Classification Scheme 2023. Collection method: clinical testing. Allele origin: germline.
Comment: The p.P560L variant (also known as c.1679C>T), located in coding exon 9 of the RET gene, results from a C to T substitution at nucleotide position 1679. The proline at codon 560 is replaced by leucine, an amino acid with similar properties. This amino acid position is conserved. In addition, this alteration is predicted to be deleterious by in silico analysis. Based on the available evidence, the clinical significance of this variant remains unclear.